The following is an entry in ClinVar:

ClinVar aggregate classification (germline): Uncertain significance. Review status: criteria provided, multiple submitters, no conflicts (2 of 4 stars). 3 submissions from 3 submitters: Uncertain significance (3). Last evaluated 2025-05-27.

Conditions:
Inborn genetic diseases. Identifiers: MedGen C0950123, MeSH D030342.

Allele frequency attached by ClinVar (database versions not stated): ExAC 0.00001; gnomAD 0.00001; gnomAD exomes 0.00001; TOPMed 0.00003.
gnomAD v4.1: 10 of 1,608,370 alleles (0.00062%); highest among the groups gnomAD compares: African/African-American, 0.0054%; no homozygotes.

Submissions (3):

Revvity Omics, Revvity
Classification: Uncertain significance. Last evaluated: 2025-05-27. Review status: criteria provided, single submitter. Criteria: ACMG Guidelines, 2015. Collection method: clinical testing. Allele origin: germline.

Labcorp Genetics (formerly Invitae), Labcorp
Classification: Uncertain significance. Last evaluated: 2025-05-22. Review status: criteria provided, single submitter. Criteria: Invitae Variant Classification Sherloc (09022015). Collection method: clinical testing. Allele origin: germline.
Comment: This sequence change replaces valine, which is neutral and non-polar, with isoleucine, which is neutral and non-polar, at codon 429 of the ATP6V1A protein (p.Val429Ile). This variant is present in population databases (rs759887224, gnomAD 0.008%). This variant has not been reported in the literature in individuals affected with ATP6V1A-related conditions. ClinVar contains an entry for this variant (Variation ID: 2374284). Invitae Evidence Modeling of protein sequence and biophysical properties (such as structural, functional, and spatial information, amino acid conservation, physicochemical variation, residue mobility, and thermodynamic stability) indicates that this missense variant is not expected to disrupt ATP6V1A protein function with a negative predictive value of 80%. In summary, the available evidence is currently insufficient to determine the role of this variant in disease. Therefore, it has been classified as a Variant of Uncertain Significance.

Ambry Genetics
Classification: Uncertain significance for Inborn genetic diseases. Last evaluated: 2022-12-01. Review status: criteria provided, single submitter. Criteria: Ambry Variant Classification Scheme 2023. Collection method: clinical testing. Allele origin: germline.

NM_001690.4(ATP6V1A):c.1285G>A (p.Val429Ile)

Gene: ATP6V1A (ATPase H+ transporting V1 subunit A; plus strand). Cytogenetic location: 3q13.31.
Variant type: single nucleotide variant.
Coding change: c.1285G>A on transcript NM_001690.4 (MANE Select); coding-DNA position 1285, G replaced by A.
Protein change: p.Val429Ile; replaces valine 429 with isoleucine.
Molecular consequence: missense variant.
Genome position (GRCh38, 1-based): chr3:113,795,934, G>A. VCF-style: chr3-113795934-G-A. GRCh37 (hg19) VCF-style: chr3-113514781-G-A.
Other names: short protein forms V429I.
Identifiers: ClinVar variation 2374284 (VCV002374284.4), dbSNP rs759887224, ClinGen allele CA2548017.